The following is an entry in ClinVar:

NM_203447.4(DOCK8):c.3002T>C (p.Met1001Thr)

Gene: DOCK8 (dedicator of cytokinesis 8; plus strand). Cytogenetic location: 9p24.3.
Variant type: single nucleotide variant.
Coding change: c.3002T>C on transcript NM_203447.4 (MANE Select); coding-DNA position 3002, T replaced by C.
Protein change: p.Met1001Thr; replaces methionine 1001 with threonine.
Molecular consequence: missense variant.
Genome position (GRCh38, 1-based): chr9:396,816, T>C. VCF-style: chr9-396816-T-C. GRCh37 (hg19) VCF-style: chr9-396816-T-C.
Other names: c.2702T>C, p.Met901Thr (NM_001190458.2); c.2798T>C, p.Met933Thr (NM_001193536.2); short protein forms M1001T, M901T, M933T.
Identifiers: ClinVar variation 870600 (VCV000870600.18), dbSNP rs2054481229, ClinGen allele CA372752802.

ClinVar aggregate classification (germline): Uncertain significance. Review status: criteria provided, multiple submitters, no conflicts (2 of 4 stars). 2 submissions from 2 submitters: Uncertain significance (2). Last evaluated 2020-09-15.

Conditions:
Combined immunodeficiency due to DOCK8 deficiency (HIES2). Also called: DOCK8 Deficiency; HIES autosomal recessive; HYPER-IgE SYNDROME 2, AUTOSOMAL RECESSIVE, WITH RECURRENT INFECTIONS; Hyper-IgE recurrent infection syndrome, autosomal recessive; HYPER-IgE RECURRENT INFECTION SYNDROME 2, AUTOSOMAL RECESSIVE. Identifiers: Orphanet 217390, MedGen C4722305, MONDO:0009478, OMIM 243700.

Allele frequency attached by ClinVar (database versions not stated): gnomAD exomes below 0.00001.

Submissions (2):

Labcorp Genetics (formerly Invitae), Labcorp
Classification: Uncertain significance for Combined immunodeficiency due to DOCK8 deficiency. Last evaluated: 2020-09-15. Review status: criteria provided, single submitter. Criteria: Invitae Variant Classification Sherloc (09022015). Collection method: clinical testing. Allele origin: germline.
Comment: In summary, the available evidence is currently insufficient to determine the role of this variant in disease. Therefore, it has been classified as a Variant of Uncertain Significance. Algorithms developed to predict the effect of missense changes on protein structure and function output the following: SIFT: "Tolerated"; PolyPhen-2: "Benign"; Align-GVGD: "Class C0". The threonine amino acid residue is found in multiple mammalian species, suggesting that this missense change does not adversely affect protein function. These predictions have not been confirmed by published functional studies and their clinical significance is uncertain. This variant has not been reported in the literature in individuals with DOCK8-related conditions. ClinVar contains an entry for this variant (Variation ID: 870600). This variant is not present in population databases (ExAC no frequency). This sequence change replaces methionine with threonine at codon 1001 of the DOCK8 protein (p.Met1001Thr). The methionine residue is weakly conserved and there is a moderate physicochemical difference between methionine and threonine.

Diagnostics Services (NGS), CSIR - Centre For Cellular And Molecular Biology
Classification: Uncertain significance for Combined immunodeficiency due to DOCK8 deficiency. Last evaluated: 2020-04-17. Review status: criteria provided, single submitter. Criteria: ACMG Guidelines, 2015. Collection method: clinical testing. Allele origin: unknown. Affected: yes. Observed: 1 heterozygote.
Comment: The c.3002T>C variant is not present in publicly available databases like 1000 Genomes, Exome Variant Server (EVS), Exome Aggregation Consortium (ExAC), Genome Aggregation Database (gnomAD) and dbSNP. The variant is not present in our in-house exome database. The variant was not reported to OMIM, Human Genome Mutation Database (HGMD) or ClinVar databases in any affected individuals. In-silico pathogenicity prediction programs like SIFT, PolyPhen-3, MutationTaster2, CADD etc. predicted this variant to be likely non-deleterious. However there are no documented functional studies to prove this. Due to lack of enough evidence the variant has been classified as uncertain significance. The c.3460C>T variant was reported earlier to ClinVar database (Accession: VCV000418766.3) with conflicting interpretations of pathogenicity (benign/uncertain significance), however clinical condition was not provided.